The following is an entry in ClinVar:

ClinVar aggregate classification (germline): Likely benign (0 of 4 stars; one submission).

Conditions:
SMARCC2-related disorder. Also called: SMARCC2-related condition.

Submission:

PreventionGenetics, part of Exact Sciences
Classification: Likely benign for SMARCC2-related condition. Last evaluated: 2021-02-23. Review status: no assertion criteria provided. Collection method: clinical testing. Allele origin: germline.
Comment: This variant is classified as likely benign based on ACMG/AMP sequence variant interpretation guidelines (Richards et al. 2015 PMID: 25741868, with internal and published modifications).

NM_001330288.2(SMARCC2):c.1650+9A>T

Gene: SMARCC2 (SWI/SNF related BAF chromatin remodeling complex subunit C2; minus strand). Cytogenetic location: 12q13.2.
Variant type: single nucleotide variant.
Coding change: c.1650+9A>T on transcript NM_001330288.2 (MANE Select); 9 bases into the intron after coding-DNA position 1650, A replaced by T.
Molecular consequence: intron variant.
Genome position (GRCh38, 1-based): chr12:56,173,687, T>A on the plus strand (A>T on the coding strand, the complement: SMARCC2 is on the minus strand). VCF-style: chr12-56173687-T-A. GRCh37 (hg19) VCF-style: chr12-56567471-T-A.
Other names: c.1650+9A>T (NM_003075.5, NM_139067.4, NM_001130420.3).
Identifiers: ClinVar variation 3034007 (VCV003034007.2), dbSNP rs2135695414, ClinGen allele CA2575188658.